The following is an entry in ClinVar:

NM_000066.4(C8B):c.76A>G (p.Ser26Gly)

Gene: C8B (complement C8 beta chain; minus strand). Cytogenetic location: 1p32.2.
Variant type: single nucleotide variant.
Coding change: c.76A>G on transcript NM_000066.4 (MANE Select); coding-DNA position 76, A replaced by G.
Protein change: p.Ser26Gly; replaces serine 26 with glycine.
Molecular consequence: missense variant. On other transcripts: 5 prime UTR variant (2).
Genome position (GRCh38, 1-based): chr1:56,965,873, T>C on the plus strand (A>G on the coding strand, the complement: C8B is on the minus strand). VCF-style: chr1-56965873-T-C. GRCh37 (hg19) VCF-style: chr1-57431546-T-C.
Other names: c.-303A>G (NM_001278543.2); c.-240A>G (NM_001278544.2); short protein forms S26G.
Identifiers: ClinVar variation 1477375 (VCV001477375.8), dbSNP rs747253150, ClinGen allele CA876125.
Genomic context (GRCh38, chr1:56,965,873, plus strand): 5'-CTGTCATATTATTGATCAGGGAATTATTGGTAACTGTCACTTACCTGGAGCCAGGCAAAC[T>C]GAGACAGCCCAGGGCAGCACAGAGAAGAAATAGCTCCACCGGCGCCCTCCAAGCCCATGT-3'
Protein context (NP_000057.3, residues 16-36): FLLCAALGCL[Ser26Gly]LPGSRGERPH

ClinVar aggregate classification (germline): Uncertain significance (1 of 4 stars; one submission).

Allele frequency attached by ClinVar (database versions not stated): ExAC 0.00001; gnomAD exomes 0.00001 and 0.00002.
gnomAD v4.1: 14 of 1,614,006 alleles (0.00087%); highest among the groups gnomAD compares: Non-Finnish European, 0.00059%; no homozygotes.

Submission:

Labcorp Genetics (formerly Invitae), Labcorp
Classification: Uncertain significance. Last evaluated: 2024-10-21. Review status: criteria provided, single submitter. Criteria: Invitae Variant Classification Sherloc (09022015). Collection method: clinical testing. Allele origin: germline.
Comment: This sequence change replaces serine, which is neutral and polar, with glycine, which is neutral and non-polar, at codon 26 of the C8B protein (p.Ser26Gly). This variant is present in population databases (rs747253150, gnomAD 0.02%). This variant has not been reported in the literature in individuals affected with C8B-related conditions. ClinVar contains an entry for this variant (Variation ID: 1477375). An algorithm developed to predict the effect of missense changes on protein structure and function outputs the following: PolyPhen-2: "Benign". The glycine amino acid residue is found in multiple mammalian species, which suggests that this missense change does not adversely affect protein function. In summary, the available evidence is currently insufficient to determine the role of this variant in disease. Therefore, it has been classified as a Variant of Uncertain Significance.